The following is an entry in ClinVar:

ClinVar aggregate classification (germline): Pathogenic. Review status: reviewed by expert panel (3 of 4 stars). 3 submissions from 3 submitters: Pathogenic (1). 2 of the submissions do not count toward it. Last evaluated 2017-12-15.

Conditions:
Breast and/or ovarian cancer. Identifiers: MedGen CN221562.
Breast-ovarian cancer, familial, susceptibility to, 1 (BROVCA1). Also called: OVARIAN CANCER, SUSCEPTIBILITY TO; BRCA1 Hereditary Breast and Ovarian Cancer. Identifiers: Orphanet 145, MedGen C2676676, MONDO:0011450, OMIM 604370. Disease mechanism: loss of function.

Submissions (3):

Evidence-based Network for the Interpretation of Germline Mutant Alleles (ENIGMA)
Classification: Pathogenic for Breast-ovarian cancer, familial, susceptibility to, 1. Last evaluated: 2017-12-15. Review status: reviewed by expert panel. Criteria: ENIGMA BRCA1/2 Classification Criteria (2017-06-29). Collection method: curation. Allele origin: germline. Study: ENIGMA.
Comment: Variant allele predicted to encode a truncated non-functional protein.

CHEO Genetics Diagnostic Laboratory, Children's Hospital of Eastern Ontario
Classification: Likely pathogenic for Breast and/or ovarian cancer. Last evaluated: 2022-05-09. Review status: criteria provided, single submitter. Criteria: ACMG Guidelines, 2015. Collection method: clinical testing. Allele origin: germline. Not counted in ClinVar's aggregate classification.

Molecular Genetics Laboratory, University of Michigan
Classification: Pathogenic for Breast-ovarian cancer, familial, susceptibility to, 1. Last evaluated: 2016-04-21. Review status: criteria provided, single submitter. Criteria: ACMG Guidelines, 2015. Collection method: clinical testing. Allele origin: germline. Affected: yes. Not counted in ClinVar's aggregate classification.

NM_007294.4(BRCA1):c.1386dup (p.Lys463fs)

Gene: BRCA1 (BRCA1 DNA repair associated; minus strand). Cytogenetic location: 17q21.31.
Variant type: Duplication.
Coding change: c.1386dup on transcript NM_007294.4 (MANE Select); coding-DNA position 1386, one base duplicated (G; older notation c.1386dupG).
Protein change: p.Lys463fs; shifts the reading frame from lysine 463.
Molecular consequence: frameshift variant. On other transcripts: intron variant (137).
Genome position (GRCh38, 1-based): chr17:43,094,145, C duplicated on the plus strand (G on the coding strand, the reverse complement: BRCA1 is on the minus strand); the first of 3 consecutive C bases (chr17:43,094,145-43,094,147); duplicating any one gives the same sequence. VCF-style (leftmost placement, unchanged base first): chr17-43094144-T-TC. GRCh37 (hg19) VCF-style: chr17-41246161-T-TC.
Other names: c.1386dupG (NM_007294.3); c.1386dup (NM_007294.3); c.670+1701dup (NM_001408418.1, NM_001408423.1, NM_001408420.1 and 2 more transcripts); c.787+599dup (NM_001407981.1, NM_007298.4, NM_001407978.1 and 19 more transcripts); c.643+599dup (NM_001408462.1, NM_001408470.1, NM_001408464.1 and 3 more transcripts); c.709+599dup (NM_001408414.1, NM_001408411.1, NM_001408415.1 and 2 more transcripts); c.577+599dup (NM_001408514.1, NM_001408485.1, NM_001408483.1 and 9 more transcripts); c.661+599dup (NM_001408447.1, NM_001408433.1, NM_001408446.1 and 6 more transcripts); and 42 more; short protein forms K463fs, K416fs, K336fs, K375fs, K392fs, K460fs, K374fs, K393fs.
Identifiers: ClinVar variation 54233 (VCV000054233.7), dbSNP rs80357722, ClinGen allele CA327738.